The following is an entry in ClinVar:

NM_002738.7(PRKCB):c.2007C>T (p.Pro669=)

Gene: PRKCB (protein kinase C beta; plus strand). Cytogenetic location: 16p12.1.
Variant type: single nucleotide variant.
Coding change: c.2007C>T on transcript NM_002738.7 (MANE Select); coding-DNA position 2007, C replaced by T.
Protein change: p.Pro669=; no amino-acid change (proline 669 retained).
Molecular consequence: synonymous variant. On other transcripts: intron variant (1).
Genome position (GRCh38, 1-based): chr16:24,214,801, C>T. VCF-style: chr16-24214801-C-T. GRCh37 (hg19) VCF-style: chr16-24226122-C-T.
Other names: c.1864-5160C>T (NM_212535.3).
Identifiers: ClinVar variation 3041976 (VCV003041976.2), dbSNP rs772098050, ClinGen allele CA7966685.
Genomic context (GRCh38, chr16:24,214,801, plus strand): 5'-GAATATTGACCAATCAGAATTCGAAGGATTTTCCTTTGTTAACTCTGAATTTTTAAAACC[C>T]GAAGTCAAGAGCTAAGTAGATGTGTAGATCTCCGTCCTTCATTTCTGTCATTCAAGCTCA-3'
Protein context (NP_002729.2, residues 659-673): FSFVNSEFLK[Pro669=]EVKS

ClinVar aggregate classification (germline): Likely benign (0 of 4 stars; one submission).

Conditions:
PRKCB-related disorder. Also called: PRKCB-related condition.

Allele frequency attached by ClinVar (database versions not stated): TOPMed 0.00002; gnomAD 0.00003; gnomAD exomes 0.00004; ExAC 0.00007.
gnomAD v4.1: 59 of 1,613,942 alleles (0.0037%); highest among the groups gnomAD compares: South Asian, 0.038%; no homozygotes.

Submission:

PreventionGenetics, part of Exact Sciences
Classification: Likely benign for PRKCB-related condition. Last evaluated: 2019-05-10. Review status: no assertion criteria provided. Collection method: clinical testing. Allele origin: germline.
Comment: This variant is classified as likely benign based on ACMG/AMP sequence variant interpretation guidelines (Richards et al. 2015 PMID: 25741868, with internal and published modifications).